The following is an entry in ClinVar:

NM_001394998.1(TANC2):c.4922A>G (p.Gln1641Arg)

Gene: TANC2 (tetratricopeptide repeat, ankyrin repeat and coiled-coil containing 2; plus strand). Cytogenetic location: 17q23.3.
Variant type: single nucleotide variant.
Coding change: c.4922A>G on transcript NM_001394998.1 (MANE Select); coding-DNA position 4922, A replaced by G.
Protein change: p.Gln1641Arg; replaces glutamine 1641 with arginine.
Molecular consequence: missense variant.
Genome position (GRCh38, 1-based): chr17:63,420,652, A>G. VCF-style: chr17-63420652-A-G. GRCh37 (hg19) VCF-style: chr17-61498013-A-G.
Other names: c.4700A>G, p.Gln1567Arg (NM_001411076.1); c.4670A>G, p.Gln1557Arg (NM_025185.4); short protein forms Q1557R, Q1567R, Q1641R.
Identifiers: ClinVar variation 5000639 (VCV005000639.1).

ClinVar aggregate classification (germline): Uncertain significance (1 of 4 stars; one submission).

Conditions:
TANC2-related disorder. Also called: TANC2-related condition.

gnomAD v4.1: 2 of 1,613,798 alleles (0.00012%); highest among the groups gnomAD compares: Non-Finnish European, 0.00017%; no homozygotes.

Submission:

PreventionGenetics, part of Exact Sciences
Classification: Uncertain significance for TANC2-related condition. Last evaluated: 2025-07-21. Review status: criteria provided, single submitter. Criteria: ACMG Guidelines, 2015. Collection method: clinical testing. Allele origin: germline.
Comment: The TANC2 c.4670A>G variant is predicted to result in the amino acid substitution p.Gln1557Arg. To our knowledge, this variant has not been reported in the literature. This variant is reported in 0.00089% of alleles in individuals of European (Non-Finnish) descent in gnomAD. At this time, the clinical significance of this variant is uncertain due to the absence of conclusive functional and genetic evidence.